The following is an entry in ClinVar:

ClinVar aggregate classification (germline): Uncertain significance (1 of 4 stars; one submission).

Conditions:
Malignant hyperthermia, susceptibility to, 1 (MHS1). Also called: Anesthesia related hyperthermia; Malignant hyperpyrexia; Fulminating hyperpyrexia; Pharmacogenic myopathy; RYR1-Related Malignant Hyperthermia Susceptibility; Malignant hyperthermia suceptibility 1. Identifiers: Orphanet 423, MedGen C2930980, MONDO:0007783, OMIM 145600.

Submission:

All of Us Research Program, National Institutes of Health
Classification: Uncertain significance for Malignant hyperthermia, susceptibility to, 1. Last evaluated: 2023-11-20. Review status: criteria provided, single submitter. Criteria: ACMG Guidelines, 2015. Collection method: clinical testing. Allele origin: germline. Inheritance: Autosomal dominant inheritance. Observed: 1 variant allele, 1 heterozygote.
Comment: This variant deletes 1 nucleotide in exon 34 of the RYR1 gene, creating a frameshift and premature translation stop signal. This variant is expected to result in an absent or non-functional protein product. To our knowledge, this variant has not been reported in individuals affected with RYR1-related disorders in the literature. This variant has not been identified in the general population by the Genome Aggregation Database (gnomAD). Loss of RYR1 function due to truncation variants is not an established disease mechanism for autosomal dominant malignant hyperthermia, although it is associated with other phenotype(s). Due to insufficient evidence, this variant is classified as a Variant of Uncertain Significance for autosomal dominant malignant hyperthermia.

This study involves interpretation of variants in research participants for the purpose of population health screening. Participant phenotype was not available at the time of variant classification. Additional details can be found in publication PMID: 35346344, PMCID: PMC8962531

NM_000540.3(RYR1):c.5340del (p.Cys1781fs)

Gene: RYR1 (ryanodine receptor 1; plus strand). Cytogenetic location: 19q13.2.
Variant type: Deletion.
Coding change: c.5340del on transcript NM_000540.3 (MANE Select); coding-DNA position 5340, one base deleted (C; older notation c.5340delC).
Protein change: p.Cys1781fs; shifts the reading frame from cysteine 1781.
Molecular consequence: frameshift variant.
Genome position (GRCh38, 1-based): chr19:38,485,995, C deleted; the last of 6 consecutive C bases (chr19:38,485,990-38,485,995); deleting any one gives the same sequence. VCF-style (leftmost placement, unchanged base first): chr19-38485989-GC-G. GRCh37 (hg19) VCF-style: chr19-38976629-GC-G.
Other names: c.5340del, p.Cys1781fs (NM_001042723.2); short protein forms C1781fs.
Identifiers: ClinVar variation 3074503 (VCV003074503.1), dbSNP rs1969271215, ClinGen allele CA2825002783.